The following is an entry in ClinVar:

ClinVar aggregate classification (germline): Uncertain significance (1 of 4 stars; one submission).

Submission:

Labcorp Genetics (formerly Invitae), Labcorp
Classification: Uncertain significance. Last evaluated: 2022-01-01. Review status: criteria provided, single submitter. Criteria: Invitae Variant Classification Sherloc (09022015). Collection method: clinical testing. Allele origin: germline.
Comment: In summary, the available evidence is currently insufficient to determine the role of this variant in disease. Therefore, it has been classified as a Variant of Uncertain Significance. Algorithms developed to predict the effect of missense changes on protein structure and function are either unavailable or do not agree on the potential impact of this missense change (SIFT: "Deleterious"; PolyPhen-2: "Possibly Damaging"; Align-GVGD: "Class C0"). This variant has not been reported in the literature in individuals affected with CCDC88A-related conditions. This variant is not present in population databases (gnomAD no frequency). This sequence change replaces valine, which is neutral and non-polar, with phenylalanine, which is neutral and non-polar, at codon 355 of the CCDC88A protein (p.Val355Phe).

NM_001365480.1(CCDC88A):c.1063G>T (p.Val355Phe)

Gene: CCDC88A (coiled-coil and HOOK domain protein 88A; minus strand). Cytogenetic location: 2p16.1.
Variant type: single nucleotide variant.
Coding change: c.1063G>T on transcript NM_001365480.1 (MANE Select); coding-DNA position 1063, G replaced by T.
Protein change: p.Val355Phe; replaces valine 355 with phenylalanine.
Molecular consequence: missense variant.
Genome position (GRCh38, 1-based): chr2:55,344,493, C>A on the plus strand (G>T on the coding strand, the complement: CCDC88A is on the minus strand). VCF-style: chr2-55344493-C-A. GRCh37 (hg19) VCF-style: chr2-55571629-C-A.
Other names: c.1063G>T, p.Val355Phe (NM_001135597.2, NM_001254943.2, NM_018084.5); short protein forms V355F.
Identifiers: ClinVar variation 2068922 (VCV002068922.4), dbSNP rs2544872752, ClinGen allele CA346906202.